The following is an entry in ClinVar:

NM_001367624.2(ZNF469):c.2016C>T (p.Pro672=)

Gene: ZNF469 (zinc finger protein 469; plus strand). Cytogenetic location: 16q24.2.
Variant type: single nucleotide variant.
Coding change: c.2016C>T on transcript NM_001367624.2 (MANE Select); coding-DNA position 2016, C replaced by T.
Protein change: p.Pro672=; no amino-acid change (proline 672 retained).
Molecular consequence: synonymous variant.
Genome position (GRCh38, 1-based): chr16:88,429,486, C>T. VCF-style: chr16-88429486-C-T. GRCh37 (hg19) VCF-style: chr16-88495894-C-T.
Other names: NM_001127464.1:c.2016C>T.
Identifiers: ClinVar variation 1175894 (VCV001175894.40), dbSNP rs949790320, ClinGen allele CA286373276.

ClinVar aggregate classification (germline): Likely benign. Review status: criteria provided, multiple submitters, no conflicts (2 of 4 stars). 3 submissions from 3 submitters: Likely benign (3). Last evaluated 2026-01-29.

Conditions:
Cardiovascular phenotype. Identifiers: MedGen CN230736.

Allele frequency attached by ClinVar (database versions not stated): gnomAD 0.00001; TOPMed 0.00001.
gnomAD v4.1: 40 of 1,549,994 alleles (0.0026%); highest among the groups gnomAD compares: Admixed American, 0.0078%; no homozygotes.

Submissions (3):

Labcorp Genetics (formerly Invitae), Labcorp
Classification: Likely benign. Last evaluated: 2026-01-29. Review status: criteria provided, single submitter. Criteria: Invitae Variant Classification Sherloc (09022015). Collection method: clinical testing. Allele origin: germline.

CeGaT Center for Human Genetics Tuebingen
Classification: Likely benign. Last evaluated: 2022-11-01. Review status: criteria provided, single submitter. Criteria: CeGaT Center For Human Genetics Tuebingen Variant Classification Criteria Version 2. Collection method: clinical testing. Allele origin: germline. Affected: yes. Observed: 2 variant alleles.
Comment: ZNF469: BP4, BP7

Ambry Genetics
Classification: Likely benign for Cardiovascular phenotype. Last evaluated: 2022-08-01. Review status: criteria provided, single submitter. Criteria: Ambry Variant Classification Scheme 2023. Collection method: clinical testing. Allele origin: germline.